The following is an entry in ClinVar:

NM_182914.3(SYNE2):c.4249G>A (p.Gly1417Arg)

Gene: SYNE2 (spectrin repeat containing nuclear envelope protein 2; plus strand). Cytogenetic location: 14q23.2.
Variant type: single nucleotide variant.
Coding change: c.4249G>A on transcript NM_182914.3 (MANE Select); coding-DNA position 4249, G replaced by A.
Protein change: p.Gly1417Arg; replaces glycine 1417 with arginine.
Molecular consequence: missense variant.
Genome position (GRCh38, 1-based): chr14:64,003,182, G>A. VCF-style: chr14-64003182-G-A. GRCh37 (hg19) VCF-style: chr14-64469900-G-A.
Other names: c.4249G>A, p.Gly1417Arg (NM_015180.6); c.4249G>A (NM_182914.2); short protein forms G1417R.
Identifiers: ClinVar variation 2777725 (VCV002777725.4), dbSNP rs1392926863, ClinGen allele CA389999856.

ClinVar aggregate classification (germline): Uncertain significance. Review status: criteria provided, multiple submitters, no conflicts (2 of 4 stars). 2 submissions from 2 submitters: Uncertain significance (2). Last evaluated 2025-04-06.

Conditions:
Emery-Dreifuss muscular dystrophy 5, autosomal dominant (EDMD5). Also called: EMERY-DREIFUSS MUSCULAR DYSTROPHY 5. Identifiers: Orphanet 261, MedGen C2751805, MONDO:0013072, OMIM 612999.

gnomAD v4.1: 1 of 1,614,154 alleles (0.000062%); no homozygotes.

Submissions (2):

Ambry Genetics
Classification: Uncertain significance. Last evaluated: 2025-04-06. Review status: criteria provided, single submitter. Criteria: Ambry Variant Classification Scheme 2023. Collection method: clinical testing. Allele origin: germline.

Labcorp Genetics (formerly Invitae), Labcorp
Classification: Uncertain significance for Emery-Dreifuss muscular dystrophy 5, autosomal dominant. Last evaluated: 2023-09-11. Review status: criteria provided, single submitter. Criteria: Invitae Variant Classification Sherloc (09022015). Collection method: clinical testing. Allele origin: germline.
Comment: This variant has not been reported in the literature in individuals affected with SYNE2-related conditions. This sequence change replaces glycine, which is neutral and non-polar, with arginine, which is basic and polar, at codon 1417 of the SYNE2 protein (p.Gly1417Arg). This variant is present in population databases (no rsID available, gnomAD 0.003%). Algorithms developed to predict the effect of missense changes on protein structure and function output the following: SIFT: "Not Available"; PolyPhen-2: "Probably Damaging"; Align-GVGD: "Not Available". The arginine amino acid residue is found in multiple mammalian species, which suggests that this missense change does not adversely affect protein function. In summary, the available evidence is currently insufficient to determine the role of this variant in disease. Therefore, it has been classified as a Variant of Uncertain Significance.